The following is an entry in ClinVar:

NM_001048174.2(MUTYH):c.263G>A (p.Arg88Gln)

Gene: MUTYH (mutY DNA glycosylase; minus strand). Cytogenetic location: 1p34.1.
Variant type: single nucleotide variant.
Coding change: c.263G>A on transcript NM_001048174.2 (MANE Select); coding-DNA position 263, G replaced by A.
Protein change: p.Arg88Gln; replaces arginine 88 with glutamine.
Molecular consequence: missense variant. On other transcripts: 5 prime UTR variant (4), non-coding transcript variant (2).
Genome position (GRCh38, 1-based): chr1:45,333,414, C>T on the plus strand (G>A on the coding strand, the complement: MUTYH is on the minus strand). VCF-style: chr1-45333414-C-T. GRCh37 (hg19) VCF-style: chr1-45799086-C-T.
Other names: c.263G>A, p.Arg88Gln (NM_001048171.2, NM_001048173.2, NM_001293195.2); c.266G>A, p.Arg89Gln (NM_001048172.2); c.347G>A, p.Arg116Gln (NM_001128425.2); c.308G>A, p.Arg103Gln (NM_001293190.2); c.296G>A, p.Arg99Gln (NM_001293191.2); c.-14G>A (NM_001293192.2, NM_001293196.2); c.-9G>A (NM_001350650.2, NM_001350651.2); c.338G>A, p.Arg113Gln (NM_012222.3); short protein forms R116Q, R103Q, R89Q, R88Q, R99Q, R113Q.
Identifiers: ClinVar variation 142736 (VCV000142736.33), dbSNP rs587782683, ClinGen allele CA013393.

ClinVar aggregate classification (germline): Conflicting classifications of pathogenicity. Review status: criteria provided, conflicting classifications (1 of 4 stars). 10 submissions from 10 submitters: Uncertain significance (7); Likely benign (3). Last evaluated 2026-01-27.

Conditions:
Pilomatrixoma (PTR). Also called: Pilomatricoma, somatic; PILOMATRICOMA; EPITHELIOMA CALCIFICANS OF MALHERBE. Identifiers: Orphanet 91414, MedGen C0206711, MeSH D018296, MONDO:0007564, OMIM 132600, HP:0030434.
Neoplasm of stomach. Also called: Stomach Neoplasms; Gastric neoplasm; Neoplasm of the stomach. Identifiers: MedGen C0038356, MONDO:0021085, HP:0006753. Disease mechanism: gain of function. Inheritance: Somatic mutation.
Familial adenomatous polyposis 2. Also called: MUTYH-related attenuated familial adenomatous polyposis; MUTYH-associated polyposis; MUTYH Polyposis; Adenomas, multiple colorectal; ADENOMAS, MULTIPLE COLORECTAL, AUTOSOMAL RECESSIVE; COLORECTAL ADENOMATOUS POLYPOSIS, AUTOSOMAL RECESSIVE. Identifiers: Orphanet 220460, Orphanet 247798, MedGen C3272841, MONDO:0012041, OMIM 608456.
Hereditary cancer-predisposing syndrome. Also called: Tumor predisposition; Hereditary neoplastic syndrome; Hereditary Cancer Syndrome; Neoplastic Syndromes, Hereditary. Identifiers: Orphanet 140162, MedGen C0027672, MeSH D009386, MONDO:0015356.

Allele frequency attached by ClinVar (database versions not stated): ExAC 0.00002; gnomAD 0.00003; TOPMed 0.00003; gnomAD exomes 0.00004 and 0.00006.

Submissions (10):

Labcorp Genetics (formerly Invitae), Labcorp
Classification: Likely benign for Familial adenomatous polyposis 2. Last evaluated: 2026-01-27. Review status: criteria provided, single submitter. Criteria: Invitae Variant Classification Sherloc (09022015). Collection method: clinical testing. Allele origin: germline.

CeGaT Center for Human Genetics Tuebingen
Classification: Uncertain significance. Last evaluated: 2026-01-01. Review status: criteria provided, single submitter. Criteria: CeGaT Center For Human Genetics Tuebingen Variant Classification Criteria Version 2. Collection method: clinical testing. Allele origin: germline. Affected: yes. Observed: 1 variant allele.

Blueprint Genetics
Classification: Likely benign. Last evaluated: 2024-09-30. Review status: criteria provided, single submitter. Criteria: ACMG Guidelines, 2015. Collection method: clinical testing. Allele origin: germline.

Ambry Genetics
Classification: Likely benign for Hereditary cancer-predisposing syndrome. Last evaluated: 2024-06-01. Review status: criteria provided, single submitter. Criteria: Ambry Variant Classification Scheme 2023. Collection method: clinical testing. Allele origin: germline.

Quest Diagnostics Nichols Institute San Juan Capistrano
Classification: Uncertain significance. Last evaluated: 2024-05-01. Review status: criteria provided, single submitter. Criteria: Quest Diagnostics criteria. Collection method: clinical testing. Allele origin: unknown.
Comment: The MUTYH c.347G>A (p.Arg116Gln) variant has been observed in a reportedly healthy individual in a large scale breast cancer association study (PMID: 33471991 (2021), see also LOVD). The frequency of this variant in the general population, 0.00023 (8/35440 chromosomes (Genome Aggregation Database)), is uninformative in the assessment of its pathogenicity. Analysis of this variant using bioinformatics tools for the prediction of the effect of amino acid changes on protein structure and function yielded predictions that this variant is benign. Based on the available information, we are unable to determine the clinical significance of this variant.

Color Diagnostics, LLC DBA Color Health
Classification: Uncertain significance for Hereditary cancer-predisposing syndrome. Last evaluated: 2023-04-06. Review status: criteria provided, single submitter. Criteria: ACMG Guidelines, 2015. Collection method: clinical testing. Allele origin: germline.
Comment: This missense variant replaces arginine with glutamine at codon 116 of the MUTYH protein. Computational prediction suggests that this variant may not impact protein structure and function (internally defined REVEL score threshold <= 0.5, PMID: 27666373). To our knowledge, functional studies have not been reported for this variant. This variant has been reported in an individual affected with familial breast cancer (PMID: 36672847). This variant has been identified in 17/282866 chromosomes in the general population by the Genome Aggregation Database (gnomAD). The available evidence is insufficient to determine the role of this variant in disease conclusively. Therefore, this variant is classified as a Variant of Uncertain Significance.

Baylor Genetics
Classification: Uncertain significance for Familial adenomatous polyposis 2. Last evaluated: 2020-12-04. Review status: criteria provided, single submitter. Criteria: ACMG Guidelines, 2015. Collection method: clinical testing. Allele origin: unknown. Affected: yes. Study: CSER-TexasKidsCanSeq.
Comment: This variant was determined to be of uncertain significance according to ACMG Guidelines, 2015 [PMID:25741868].

Women's Health and Genetics/Laboratory Corporation of America, LabCorp
Classification: Uncertain significance. Last evaluated: 2019-03-26. Review status: criteria provided, single submitter. Criteria: LabCorp Variant Classification Summary - May 2015. Collection method: clinical testing. Allele origin: germline.
Comment: Variant summary: MUTYH c.347G>A (p.Arg116Gln) results in a conservative amino acid change in the encoded protein sequence. Four of five in-silico tools predict a benign effect of the variant on protein function. The variant allele was found at a frequency of 6.1e-05 in 277200 control chromosomes in the gnomAD database, including 1 homozygotes. This frequency is not significantly higher than expected for a pathogenic variant in MUTYH causing MUTYH-associated Polyposis (6.1e-05 vs 0.0046), allowing no conclusion about variant significance. To our knowledge, no occurrence of c.347G>A in individuals affected with MUTYH-associated Polyposis and no experimental evidence demonstrating its impact on protein function have been reported. Five clinical diagnostic laboratories have submitted clinical-significance assessments for this variant to ClinVar after 2014 without evidence for independent evaluation and classified the variant as uncertain significance. Based on the evidence outlined above, the variant was classified as uncertain significance.

GeneDx
Classification: Uncertain significance. Last evaluated: 2018-11-06. Review status: criteria provided, single submitter. Criteria: GeneDx Variant Classification (06012015). Collection method: clinical testing. Allele origin: germline. Affected: yes.
Comment: This variant is denoted MUTYH c.347G>A at the cDNA level, p.Arg116Gln (R116Q) at the protein level, and results in the change of an Arginine to a Glutamine (CGG>CAG). This variant has not, to our knowledge, been published in the literature as pathogenic or benign. MUTYH Arg116Gln was observed at an allele frequency of 0.03% (9/34420) in individuals of Latino ancestry in large population cohorts (Lek 2016). This variant is not located in a known functional domain. In silico analysis, which includes protein predictors and evolutionary conservation, supports that this variant does not alter protein structure/function. Based on currently available evidence, it is unclear whether MUTYH Arg116Gln is a pathogenic or benign variant. We consider it to be a variant of uncertain significance. Of note, MUTYH-Associated Polyposis (MAP) is a recessive condition associated with two MUTYH pathogenic variants on opposite chromosomes.

Fulgent Genetics
Classification: Uncertain significance for Pilomatrixoma; Familial adenomatous polyposis 2; Gastric cancer. Last evaluated: 2017-05-23. Review status: criteria provided, single submitter. Criteria: ACMG Guidelines, 2015. Collection method: clinical testing. Allele origin: unknown.

Literature cited by the submitters: PubMed 36672847 (cited by Quest Diagnostics Nichols Institute San Juan Capistrano and Color Diagnostics, LLC DBA Color Health); PubMed 33471991 (cited by Quest Diagnostics Nichols Institute San Juan Capistrano).